The following is an entry in ClinVar:

ClinVar aggregate classification (germline): Likely benign. Review status: criteria provided, single submitter (1 of 4 stars). 2 submissions from 2 submitters: Likely benign (1). 1 of the submissions does not count toward it. Last evaluated 2025-03-19.

Conditions:
TK2-related disorder. Also called: TK2-related condition.

Allele frequency attached by ClinVar (database versions not stated): gnomAD 0.00001; gnomAD exomes 0.00001; ExAC 0.00002; 1000 Genomes Project 30x 0.00016; 1000 Genomes Project 0.00020.
gnomAD v4.1: 1 of 1,614,102 alleles (0.000062%); highest among the groups gnomAD compares: East Asian, 0.0022%; no homozygotes.

Submissions (2):

Labcorp Genetics (formerly Invitae), Labcorp
Classification: Likely benign. Last evaluated: 2025-03-19. Review status: criteria provided, single submitter. Criteria: Invitae Variant Classification Sherloc (09022015). Collection method: clinical testing. Allele origin: germline.

PreventionGenetics, part of Exact Sciences
Classification: Likely benign for TK2-related condition. Last evaluated: 2024-08-21. Review status: no assertion criteria provided. Collection method: clinical testing. Allele origin: germline. Not counted in ClinVar's aggregate classification.
Comment: This variant is classified as likely benign based on ACMG/AMP sequence variant interpretation guidelines (Richards et al. 2015 PMID: 25741868, with internal and published modifications).

NM_004614.5(TK2):c.198C>T (p.Cys66=)

Gene: TK2 (thymidine kinase 2; minus strand). Cytogenetic location: 16q21.
Variant type: single nucleotide variant.
Coding change: c.198C>T on transcript NM_004614.5 (MANE Select); coding-DNA position 198, C replaced by T.
Protein change: p.Cys66=; no amino-acid change (cysteine 66 retained).
Molecular consequence: synonymous variant. On other transcripts: 5 prime UTR variant (1), non-coding transcript variant (1), intron variant (1).
Genome position (GRCh38, 1-based): chr16:66,541,912, G>A on the plus strand (C>T on the coding strand, the complement: TK2 is on the minus strand). VCF-style: chr16-66541912-G-A. GRCh37 (hg19) VCF-style: chr16-66575815-G-A.
Other names: c.105C>T, p.Cys35= (NM_001172643.1, NM_001271935.1); c.198C>T, p.Cys66= (NM_001172645.2); c.51C>T, p.Cys17= (NM_001271934.2); c.-94C>T (NM_001272050.2); c.157-4895C>T (NM_001172644.2); c.198C>T (NM_004614.4).
Identifiers: ClinVar variation 1609112 (VCV001609112.9), dbSNP rs281865488, ClinGen allele CA8093768.